The following is an entry in ClinVar:

NM_006268.5(DPF2):c.900C>T (p.Arg300=)

Gene: DPF2 (double PHD fingers 2; plus strand). Cytogenetic location: 11q13.1.
Variant type: single nucleotide variant.
Coding change: c.900C>T on transcript NM_006268.5 (MANE Select); coding-DNA position 900, C replaced by T.
Protein change: p.Arg300=; no amino-acid change (arginine 300 retained).
Molecular consequence: synonymous variant.
Genome position (GRCh38, 1-based): chr11:65,346,054, C>T. VCF-style: chr11-65346054-C-T. GRCh37 (hg19) VCF-style: chr11-65113525-C-T.
Other names: c.942C>T, p.Arg314= (NM_001330308.2).
Identifiers: ClinVar variation 1213754 (VCV001213754.1), dbSNP rs775695232, ClinGen allele CA6095390.

ClinVar aggregate classification (germline): Uncertain significance (1 of 4 stars; one submission).

Conditions:
Coffin-Siris syndrome 7. Identifiers: MedGen C4747954, MONDO:0054831, OMIM 618027.

Allele frequency attached by ClinVar (database versions not stated): gnomAD 0.00001; gnomAD exomes 0.00001 and 0.00003; TOPMed 0.00001; ExAC 0.00002.
gnomAD v4.1: 45 of 1,614,080 alleles (0.0028%); highest among the groups gnomAD compares: Non-Finnish European, 0.0037%; no homozygotes.

Submission:

New York Genome Center
Classification: Uncertain significance for Coffin-Siris syndrome 7. Last evaluated: 2020-11-17. Review status: criteria provided, single submitter. Criteria: NYGC Assertion Criteria 2020. Collection method: clinical testing. Allele origin: germline. Observed: 1 heterozygote. Study: CSER-NYCKidSeq.
Comment: The c.900C>T (p.Arg300=) variant identified in the DPF2 gene is a synonymous variant at amino acid 300/392. The Cytosine at this position is well conserved throughout mammals. While Splice AI does not predict an alteration to splicing, the Transcript inferred Pathogenicity Score (TraP) for this position is 0.381, which is >95% score-percentile for coding variants suggesting it is possibly damaging. The c.900C>T (p.Arg300=) variant is found with low frequency in gnomAD(v3.1) (2 heterozygotes, 0 homozygotes; allele frequency: 1.3e-5), suggesting it is not a common benign variant in the populations represented in that database. This variant is absent from ClinVar and to our current knowledge has not been reported in affected individuals in the literature. Given the lack of compelling evidence for its pathogenicity, the c.900C>T (p.Arg300=) variant identified in the DPF2 gene is reported as a Variant of Uncertain Significance.